The following is an entry in ClinVar:

ClinVar aggregate classification (germline): Benign/Likely benign. Review status: criteria provided, multiple submitters, no conflicts (2 of 4 stars). 7 submissions from 7 submitters: Benign (4); Likely benign (3). Last evaluated 2026-03-01.

Conditions:
Inborn genetic diseases. Identifiers: MedGen C0950123, MeSH D030342.

Allele frequency attached by ClinVar (database versions not stated): TOPMed 0.00283; ESP Exome Variant Server 0.00285; gnomAD 0.00353 and 0.00361; gnomAD exomes 0.00442 and 0.00446; ExAC 0.00485.
gnomAD v4.1: 6,965 of 1,613,726 alleles (0.43%); highest among the groups gnomAD compares: Non-Finnish European, 0.47%; 27 homozygotes.

Submissions (7):

CeGaT Center for Human Genetics Tuebingen
Classification: Likely benign. Last evaluated: 2026-03-01. Review status: criteria provided, single submitter. Criteria: CeGaT Center For Human Genetics Tuebingen Variant Classification Criteria Version 2. Collection method: clinical testing. Allele origin: germline. Affected: yes. Observed: 10 variant alleles.
Comment: GANAB: BP4, BS2

Labcorp Genetics (formerly Invitae), Labcorp
Classification: Benign. Last evaluated: 2026-01-31. Review status: criteria provided, single submitter. Criteria: Invitae Variant Classification Sherloc (09022015). Collection method: clinical testing. Allele origin: germline.

Blueprint Genetics
Classification: Likely benign. Last evaluated: 2024-11-27. Review status: criteria provided, single submitter. Criteria: ACMG Guidelines, 2015. Collection method: clinical testing. Allele origin: germline.

Mayo Clinic Laboratories, Mayo Clinic
Classification: Benign. Last evaluated: 2023-05-25. Review status: criteria provided, single submitter. Criteria: ACMG Guidelines, 2015. Collection method: clinical testing. Allele origin: germline. Observed: 4 variant alleles.
Comment: BS1, BS2, BP4_strong

Ambry Genetics
Classification: Likely benign for Inborn genetic diseases. Last evaluated: 2021-12-03. Review status: criteria provided, single submitter. Criteria: Ambry Variant Classification Scheme 2023. Collection method: clinical testing. Allele origin: germline.

GeneDx
Classification: Benign. Last evaluated: 2019-11-27. Review status: criteria provided, single submitter. Criteria: GeneDx Variant Classification Process June 2021. Collection method: clinical testing. Allele origin: germline. Affected: yes.

Breakthrough Genomics
Classification: Benign. Review status: criteria provided, single submitter. Criteria: ACMG Guidelines, 2015. Collection method: not provided. Allele origin: germline. Inheritance: Autosomal dominant inheritance. Affected: yes.

NM_198334.3(GANAB):c.917A>G (p.Asn306Ser)

Gene: GANAB (glucosidase II alpha subunit; minus strand). Cytogenetic location: 11q12.3.
Variant type: single nucleotide variant.
Coding change: c.917A>G on transcript NM_198334.3 (MANE Select); coding-DNA position 917, A replaced by G.
Protein change: p.Asn306Ser; replaces asparagine 306 with serine.
Molecular consequence: missense variant.
Genome position (GRCh38, 1-based): chr11:62,632,644, T>C on the plus strand (A>G on the coding strand, the complement: GANAB is on the minus strand). VCF-style: chr11-62632644-T-C. GRCh37 (hg19) VCF-style: chr11-62400116-T-C.
Other names: p.Asn328Ser; c.641A>G, p.Asn214Ser (NM_001278192.2); c.575A>G, p.Asn192Ser (NM_001278193.2); c.626A>G, p.Asn209Ser (NM_001278194.2, NM_001329222.2, NM_001329223.2); c.194A>G, p.Asn65Ser (NM_001329224.2, NM_001329225.2); c.983A>G, p.Asn328Ser (NM_198335.4); c.983A>G (NM_198335.2); short protein forms N209S, N214S, N306S, N192S, N328S, N65S.
Identifiers: ClinVar variation 714409 (VCV000714409.39), dbSNP rs138726440, ClinGen allele CA6050913.
Genomic context (GRCh38, chr11:62,632,644, plus strand): 5'-GATATATCAACCCAGGTCTCTGCAGCATTGAGCCAGAAGATGCCCAAGTCGCGATGAGGG[T>C]TGTGTGCCAGGAGCACAGGCACAGACCCATACAAGGCCATTGGGTTGTACAGCTCATACT-3'
Protein context (NP_938148.1, residues 296-316): YGSVPVLLAH[Asn306Ser]PHRDLGIFWL